The following is an entry in ClinVar:

NM_020207.7(ERCC6L2):c.2107G>A (p.Gly703Ser)

Gene: ERCC6L2 (ERCC excision repair 6 like 2; plus strand). Cytogenetic location: 9q22.32.
Variant type: single nucleotide variant.
Coding change: c.2107G>A on transcript NM_020207.7 (MANE Select); coding-DNA position 2107, G replaced by A.
Protein change: p.Gly703Ser; replaces glycine 703 with serine.
Molecular consequence: missense variant. On other transcripts: non-coding transcript variant (1).
Genome position (GRCh38, 1-based): chr9:95,970,582, G>A. VCF-style: chr9-95970582-G-A. GRCh37 (hg19) VCF-style: chr9-98732864-G-A.
Other names: c.2107G>A, p.Gly703Ser (NM_001375291.1, NM_001375292.1, NM_001375293.1 and 1 more transcripts); short protein forms G703S.
Identifiers: ClinVar variation 3681458 (VCV003681458.2).

ClinVar aggregate classification (germline): Uncertain significance (1 of 4 stars; one submission).

gnomAD v4.1: 5 of 1,303,210 alleles (0.00038%); highest among the groups gnomAD compares: Non-Finnish European, 0.00051%; no homozygotes.

Submission:

Labcorp Genetics (formerly Invitae), Labcorp
Classification: Uncertain significance. Last evaluated: 2024-06-30. Review status: criteria provided, single submitter. Criteria: Invitae Variant Classification Sherloc (09022015). Collection method: clinical testing. Allele origin: germline.
Comment: This sequence change replaces glycine, which is neutral and non-polar, with serine, which is neutral and polar, at codon 714 of the ERCC6L2 protein (p.Gly714Ser). This variant is present in population databases (no rsID available, gnomAD 0.007%). This variant has not been reported in the literature in individuals affected with ERCC6L2-related conditions. Experimental studies and prediction algorithms are not available or were not evaluated, and the functional significance of this variant is currently unknown. In summary, the available evidence is currently insufficient to determine the role of this variant in disease. Therefore, it has been classified as a Variant of Uncertain Significance.